The following is an entry in ClinVar:

NM_001130987.2(DYSF):c.5646G>A (p.Trp1882Ter)

Gene: DYSF (dysferlin; plus strand). Cytogenetic location: 2p13.2.
Variant type: single nucleotide variant.
Coding change: c.5646G>A on transcript NM_001130987.2 (MANE Select); coding-DNA position 5646, G replaced by A.
Protein change: p.Trp1882Ter; replaces tryptophan 1882 with a stop codon.
Molecular consequence: nonsense.
Genome position (GRCh38, 1-based): chr2:71,669,608, G>A. VCF-style: chr2-71669608-G-A. GRCh37 (hg19) VCF-style: chr2-71896738-G-A.
Other names: NM_001130987.2(DYSF):c.5646G>A; p.Trp1882Ter; c.5532G>A, p.Trp1844Ter (NM_001130455.2); c.5487G>A, p.Trp1829Ter (NM_001130976.2); c.5550G>A, p.Trp1850Ter (NM_001130977.2); c.5592G>A, p.Trp1864Ter (NM_001130978.2); c.5622G>A, p.Trp1874Ter (NM_001130979.2); c.5580G>A, p.Trp1860Ter (NM_001130980.2); and 7 more; short protein forms W1882*, W1843*, W1829*, W1850*, W1860*, W1851*, W1864*, W1861*.
Identifiers: ClinVar variation 288647 (VCV000288647.13), dbSNP rs886043966, ClinGen allele CA10606170.

ClinVar aggregate classification (germline): Pathogenic. Review status: reviewed by expert panel (3 of 4 stars). 5 submissions from 5 submitters: Pathogenic (1). 4 of the submissions do not count toward it. Last evaluated 2025-01-08.

Conditions:
Autosomal recessive limb-girdle muscular dystrophy. Identifiers: Orphanet 102015, MedGen C2931907, MONDO:0015152.
Neuromuscular disease caused by qualitative or quantitative defects of dysferlin. Also called: Dysferlinopathy; Qualitative or quantitative defects of dysferlin. Identifiers: Orphanet 207073, MedGen C2931687, MONDO:0016145.
Miyoshi muscular dystrophy 1 (MMD1). Identifiers: Orphanet 45448, MedGen C4551973, MONDO:0024545, OMIM 254130.

Allele frequency attached by ClinVar (database versions not stated): gnomAD exomes below 0.00001.
gnomAD v4.1: 1 of 1,614,222 alleles (0.000062%); highest among the groups gnomAD compares: African/African-American, 0.0013%; no homozygotes.

Submissions (5):

ClinGen Limb Girdle Muscular Dystrophy Variant Curation Expert Panel, ClinGen
Classification: Pathogenic for Autosomal recessive limb-girdle muscular dystrophy. Last evaluated: 2025-01-08. Review status: reviewed by expert panel. Criteria: ClinGen LGMD VCEP ACMG Specifications DYSF V1.0.0. Collection method: curation. Allele origin: germline. Inheritance: Autosomal recessive inheritance.
Comment: The NM_003494.4: c.5529G>A p.(Trp1843Ter) variant in DYSF, which is also known as NM_001130987.2: c.5646G>A p.(Trp1882Ter), is a nonsense variant predicted to cause a premature stop codon in biologically relevant exon 50/55, leading to nonsense mediated decay in a gene in which loss of function is an established disease mechanism (PVS1). This variant has been detected in at least two unrelated individuals with dysferlinopathy. One patient was homozygous (0.5 pts, PMID: 17994539) while in the second patient, the variant was identified in unknown phase with a confirmed pathogenic variant (c.2811-2A>C, 1.0 pt, PMID: 30564623) (PM3). At least one patient with this variant displayed progressive limb girdle muscle weakness and absent dysferlin protein expression, which is highly specific for DYSF-associated LGMD (PP4_Strong, PMID: 17994539). This variant is absent from gnomAD v2.1.1 and v3.1.2 (PM2_Supporting). In summary, this variant meets the criteria to be classified as Pathogenic for autosomal recessive limb-girdle muscular dystrophy based on the ACMG/AMP criteria applied, as specified by the ClinGen LGMD VCEP (LGMD VCEP specifications version 1.0.0; 01/08/2025): PVS1, PM3, PP4_Strong, PM2_Supporting.

Labcorp Genetics (formerly Invitae), Labcorp
Classification: Pathogenic for Neuromuscular disease caused by qualitative or quantitative defects of dysferlin. Last evaluated: 2025-10-25. Review status: criteria provided, single submitter. Criteria: Invitae Variant Classification Sherloc (09022015). Collection method: clinical testing. Allele origin: germline. Not counted in ClinVar's aggregate classification.
Comment: This sequence change creates a premature translational stop signal (p.Trp1843*) in the DYSF gene. It is expected to result in an absent or disrupted protein product. Loss-of-function variants in DYSF are known to be pathogenic (PMID: 17698709, 20301480). This variant is not present in population databases (gnomAD no frequency). This premature translational stop signal has been observed in individual(s) with limb-girdle muscular dystrophy type 2B (LGMD2B) (PMID: 17994539). ClinVar contains an entry for this variant (Variation ID: 288647). For these reasons, this variant has been classified as Pathogenic.

Baylor Genetics
Classification: Pathogenic for Miyoshi muscular dystrophy 1. Last evaluated: 2023-02-23. Review status: criteria provided, single submitter. Criteria: ACMG Guidelines, 2015. Collection method: clinical testing. Allele origin: unknown. Not counted in ClinVar's aggregate classification.

GeneDx
Classification: Pathogenic. Last evaluated: 2022-09-27. Review status: criteria provided, single submitter. Criteria: GeneDx Variant Classification Process June 2021. Collection method: clinical testing. Allele origin: germline. Affected: yes. Not counted in ClinVar's aggregate classification.
Comment: Nonsense variant predicted to result in protein truncation or nonsense mediated decay in a gene for which loss-of-function is a known mechanism of disease; Not observed at significant frequency in large population cohorts (gnomAD); This variant is associated with the following publications: (PMID: 25525159, 17994539)

Eurofins Ntd Llc (ga)
Classification: Pathogenic. Last evaluated: 2016-06-09. Review status: criteria provided, single submitter. Criteria: EGL Classification Definitions 2015. Collection method: clinical testing. Allele origin: germline. Observed: 1 variant allele, 1 heterozygote. Not counted in ClinVar's aggregate classification.

Literature cited by the submitters: PubMed 17698709 (cited by Labcorp Genetics (formerly Invitae), Labcorp); PubMed 20301480 (cited by Labcorp Genetics (formerly Invitae), Labcorp); PubMed 17994539 (cited by Labcorp Genetics (formerly Invitae), Labcorp).